The following continues an entry in ClinVar:

NM_000059.4(BRCA2):c.7994A>G (p.Asp2665Gly)

Gene: BRCA2. ClinVar aggregate classification (germline): Benign. Benign (1).

Submissions 21 to 24 of 24:

Counsyl
Classification: Likely benign for Breast-ovarian cancer, familial 2. Last evaluated: 2014-12-30. Review status: no assertion criteria provided. Collection method: literature only. Allele origin: unknown. Inheritance: Autosomal dominant inheritance. Not counted in ClinVar's aggregate classification.

Sharing Clinical Reports Project (SCRP)
Classification: Benign for Breast-ovarian cancer, familial 2. Last evaluated: 2012-05-01. Review status: no assertion criteria provided. Collection method: clinical testing. Allele origin: germline. Not counted in ClinVar's aggregate classification.

Breast Cancer Information Core (BIC) (BRCA2)
Classification: Benign for Breast-ovarian cancer, familial 2. Last evaluated: 2002-05-29. Review status: no assertion criteria provided. Collection method: clinical testing. Allele origin: germline. Affected: yes. Observed: 26 variant alleles. Not counted in ClinVar's aggregate classification.

Department of Pathology and Laboratory Medicine, Sinai Health System
Classification: Benign for Malignant tumor of breast. Review status: no assertion criteria provided. Collection method: clinical testing. Allele origin: unknown. Affected: yes. Observed: 2 variant alleles. Study: The Canadian Open Genetics Repository (COGR). Not counted in ClinVar's aggregate classification.
Comment: The BRCA2 p.Asp2665Gly variant was identified in the literature in 6 out of 5644 proband chromosomes (frequency 0.001) from individuals with breast, ovarian and prostate cancers, and was identified in 1 out of 360 control chromosomes (frequency 0.003) (Borg 2010, Chenevix-Trench 2006, Edwards 2003, Evans 2008, Peixoto 2006, Soegaard 2008). The variant was also listed in the dbSNP database (ID#: rs28897745) â€šÃ„ÃºWith Likely benign alleleâ€šÃ„Ã¹, with frequencies of 0.0005 in the 1000 Genomes Project and 0.006 in the HAPMAP-TSI cohort; and was also identified in the Exome Variant Server Exome Sequencing Project with a frequency of 0.0007 in European American alleles, increasing the likelihood that this may be a low frequency benign variant in certain populations of origin. The variant was identified in the HGMD, LOVD, ClinVar, the BIC database (26X with no clinical importance), and UMD (8X as a neutral variant). In the ClinVar database, the variant was classified as benign by the Sharing Clinical Reports Project (derived from Myriad reports) and Ambry Genetics, and as likely benign by Invitae. In UMD the variant was identified with a co-occurring pathogenic BRCA2 variant (c.3847_3848delGT (p.Val1283LysfsX2)), increasing the likelihood that the p.Asp2665Gly variant does not have clinical significance. p.Asp2665 residue is conserved across mammals and lower organisms, and computational analyses (PolyPhen-2, SIFT, AlignGVGD, BLOSUM, MutationTaster) suggest that the p.Asp2665Gly variant may impact the protein. However, this information is not predictive enough to assume pathogenicity. The variant occurs outside of the splicing consensus sequence and 1 of 5 in silico or computational prediction software programs (SpliceSiteFinder, MaxEntScan, NNSPLICE, GeneSplicer, HumanSpliceFinder) predict a greater than 10% difference in splicing; however, this is not very predictive of pathogenicity. One functional assay found the variant had similar levels of homology-directed repair to wild-type BRCA2 (Guidugli 2013), and analysis of a tumour showed loss of the variant, suggesting that it is neutral (Chenevix-Trench 2006 16489001). In addition, multifactorial probability-based models classify the variant as likely non-pathogenic or benign (Chenevix-Trench 2006, Guidugli 2013) and one protein likelihood ratio model predicts the variant to be neutral (Karchin 2008 19043619). In summary, based on the above information, this variant meets our laboratory's criteria to be classified as benign.

Literature cited by the submitters: PubMed 31131967 (cited by Evidence-based Network for the Interpretation of Germline Mutant Alleles (ENIGMA)); PubMed 19043619 (cited by Women's Health and Genetics/Laboratory Corporation of America, LabCorp and Counsyl); PubMed 18559594 (cited by Women's Health and Genetics/Laboratory Corporation of America, LabCorp and Counsyl); PubMed 20104584 (cited by Women's Health and Genetics/Laboratory Corporation of America, LabCorp and Counsyl); PubMed 23108138 (cited by Women's Health and Genetics/Laboratory Corporation of America, LabCorp); PubMed 24916970 (cited by Women's Health and Genetics/Laboratory Corporation of America, LabCorp); PubMed 21990134 (cited by Women's Health and Genetics/Laboratory Corporation of America, LabCorp); PubMed 16489001 (cited by Women's Health and Genetics/Laboratory Corporation of America, LabCorp and Counsyl); PubMed 12474142 (cited by Women's Health and Genetics/Laboratory Corporation of America, LabCorp and Counsyl); PubMed 25682074 (cited by Women's Health and Genetics/Laboratory Corporation of America, LabCorp); PubMed 18703817 (cited by Women's Health and Genetics/Laboratory Corporation of America, LabCorp); PubMed 24323938 (cited by Women's Health and Genetics/Laboratory Corporation of America, LabCorp); PubMed 17924331 (cited by Women's Health and Genetics/Laboratory Corporation of America, LabCorp and Counsyl); PubMed 20215541 (cited by Women's Health and Genetics/Laboratory Corporation of America, LabCorp and Counsyl); PubMed 21120943 (cited by Women's Health and Genetics/Laboratory Corporation of America, LabCorp); PubMed 22505045 (cited by Women's Health and Genetics/Laboratory Corporation of America, LabCorp); PubMed 18724707 (cited by Women's Health and Genetics/Laboratory Corporation of America, LabCorp); PubMed 21702907 (cited by Women's Health and Genetics/Laboratory Corporation of America, LabCorp); PubMed 21520273 (cited by Women's Health and Genetics/Laboratory Corporation of America, LabCorp); PubMed 16758124 (cited by Women's Health and Genetics/Laboratory Corporation of America, LabCorp and Counsyl); PubMed 16826315 (cited by Counsyl); PubMed 20127978 (cited by Counsyl).